The following is an entry in ClinVar:

NM_001042492.3(NF1):c.164dup (p.Ser56fs)

Gene: NF1 (neurofibromin 1; plus strand). Cytogenetic location: 17q11.2.
Variant type: Duplication.
Coding change: c.164dup on transcript NM_001042492.3 (MANE Select); coding-DNA position 164, one base duplicated (T; older notation c.164dupT).
Protein change: p.Ser56fs; shifts the reading frame from serine 56.
Molecular consequence: frameshift variant.
Genome position (GRCh38, 1-based): chr17:31,156,086, T duplicated. VCF-style (leftmost placement, unchanged base first): chr17-31156085-A-AT. GRCh37 (hg19) VCF-style: chr17-29483103-A-AT.
Other names: c.164dup, p.Ser56Lysfs (NM_000267.4); c.164dup, p.Ser56fs (NM_001128147.3); short protein forms S56fs.
Identifiers: ClinVar variation 2033641 (VCV002033641.4), dbSNP rs2544681553, ClinGen allele CA2580092820.

ClinVar aggregate classification (germline): Pathogenic (1 of 4 stars; one submission).

Conditions:
Neurofibromatosis, type 1 (NF1). Also called: VON RECKLINGHAUSEN DISEASE; NEUROFIBROMATOSIS, TYPE I, SOMATIC; Neurofibromatosis, type I; Peripheral type neurofibromatosis. Identifiers: Orphanet 636, MedGen C0027831, MONDO:0018975, OMIM 162200. Disease mechanism: loss of function.

Submission:

Labcorp Genetics (formerly Invitae), Labcorp
Classification: Pathogenic for Neurofibromatosis, type 1. Last evaluated: 2022-10-01. Review status: criteria provided, single submitter. Criteria: Invitae Variant Classification Sherloc (09022015). Collection method: clinical testing. Allele origin: germline.
Comment: This sequence change creates a premature translational stop signal (p.Ser56Lysfs*11) in the NF1 gene. It is expected to result in an absent or disrupted protein product. Loss-of-function variants in NF1 are known to be pathogenic (PMID: 10712197, 23913538). This variant is not present in population databases (gnomAD no frequency). This variant has not been reported in the literature in individuals affected with NF1-related conditions. For these reasons, this variant has been classified as Pathogenic.

Literature cited by the submitters: PubMed 10712197; PubMed 23913538.